The following is an entry in ClinVar:

NM_000275.3(OCA2):c.2433G>T (p.Arg811Ser)

Gene: OCA2 (OCA2 melanosomal transmembrane protein; minus strand). Cytogenetic location: 15q12.
Variant type: single nucleotide variant.
Coding change: c.2433G>T on transcript NM_000275.3 (MANE Select); coding-DNA position 2433, G replaced by T.
Protein change: p.Arg811Ser; replaces arginine 811 with serine.
Molecular consequence: missense variant.
Genome position (GRCh38, 1-based): chr15:27,755,472, C>A on the plus strand (G>T on the coding strand, the complement: OCA2 is on the minus strand). VCF-style: chr15-27755472-C-A. GRCh37 (hg19) VCF-style: chr15-28000618-C-A.
Other names: c.2433G>T (NM_000275.2); c.2361G>T, p.Arg787Ser (NM_001300984.2); short protein forms R787S, R811S.
Identifiers: ClinVar variation 2137622 (VCV002137622.7), dbSNP rs779382711, ClinGen allele CA7438560.

ClinVar aggregate classification (germline): Pathogenic/Likely pathogenic. Review status: criteria provided, multiple submitters, no conflicts (2 of 4 stars). 4 submissions from 4 submitters: Pathogenic (2); Likely pathogenic (2). Last evaluated 2025-11-04.

Conditions:
OCA2-related disorder. Also called: OCA2-related condition.
Tyrosinase-positive oculocutaneous albinism (OCA2). Also called: ALBINISM II; Albinism, oculocutaneous, type II; Oculocutaneous albinism type 2. Identifiers: Orphanet 79432, MedGen C0268495, MONDO:0008746, OMIM 203200.

Allele frequency attached by ClinVar (database versions not stated): ExAC 0.00001; gnomAD 0.00001; gnomAD exomes 0.00001; TOPMed 0.00002.
gnomAD v4.1: 15 of 1,611,858 alleles (0.00093%); highest among the groups gnomAD compares: Admixed American, 0.0017%; no homozygotes.

Submissions (4):

Labcorp Genetics (formerly Invitae), Labcorp
Classification: Pathogenic. Last evaluated: 2025-11-04. Review status: criteria provided, single submitter. Criteria: Invitae Variant Classification Sherloc (09022015). Collection method: clinical testing. Allele origin: germline.
Comment: This sequence change replaces arginine, which is basic and polar, with serine, which is neutral and polar, at codon 811 of the OCA2 protein (p.Arg811Ser). This variant is present in population databases (rs779382711, gnomAD 0.002%). This missense change has been observed in individual(s) with clinical features of oculocutaneous albinism (PMID: 18821858, 28726809, 29345414, 37650133; internal data). In at least one individual the data is consistent with being in trans (on the opposite chromosome) from a pathogenic variant. ClinVar contains an entry for this variant (Variation ID: 2137622). An algorithm developed to predict the effect of missense changes on protein structure and function (PolyPhen-2) suggests that this variant is likely to be disruptive. Algorithms developed to predict the effect of sequence changes on RNA splicing suggest that this variant may disrupt the consensus splice site. For these reasons, this variant has been classified as Pathogenic.

PreventionGenetics, part of Exact Sciences
Classification: Likely pathogenic for OCA2-related condition. Last evaluated: 2024-11-15. Review status: criteria provided, single submitter. Criteria: ACMG Guidelines, 2015. Collection method: clinical testing. Allele origin: germline.
Comment: The OCA2 c.2433G>T variant is predicted to result in the amino acid substitution p.Arg811Ser. This variant has been reported in individuals with oculocutaneous albinism (Rooryck et al. 2008. PubMed ID: 18821858; Strauss et al. 2017. PubMed ID: 28726809; Table S3, Lasseaux et al. 2018. PubMed ID: 29345414). This variant is present in 0.0018% of alleles in individuals of European (Non-Finnish) descent in gnomAD. This variant is interpreted as likely pathogenic.

Blueprint Genetics
Classification: Pathogenic for OCA2-related disorders. Last evaluated: 2022-05-14. Review status: criteria provided, single submitter. Criteria: ACMG Guidelines, 2015. Collection method: clinical testing. Allele origin: germline. Affected: yes. Observed: 4 variant alleles.

Laboratoire de Génétique Moléculaire, CHU Bordeaux
Classification: Likely pathogenic for Tyrosinase-positive oculocutaneous albinism. Review status: criteria provided, single submitter. Criteria: ACMG Guidelines, 2015. Collection method: clinical testing. Allele origin: germline. Affected: yes.

Literature cited by the submitters: PubMed 18821858 (cited by Labcorp Genetics (formerly Invitae), Labcorp); PubMed 28726809 (cited by Labcorp Genetics (formerly Invitae), Labcorp); PubMed 29345414 (cited by Labcorp Genetics (formerly Invitae), Labcorp); PubMed 37650133 (cited by Labcorp Genetics (formerly Invitae), Labcorp).